The following is an entry in ClinVar:

NM_001042492.3(NF1):c.489del (p.Glu163fs)

Gene: NF1 (neurofibromin 1; plus strand). Cytogenetic location: 17q11.2.
Variant type: Deletion.
Coding change: c.489del on transcript NM_001042492.3 (MANE Select); coding-DNA position 489, one base deleted (A; older notation c.489delA).
Protein change: p.Glu163fs; shifts the reading frame from glutamic acid 163.
Molecular consequence: frameshift variant.
Genome position (GRCh38, 1-based): chr17:31,169,900, A deleted; the last of 2 consecutive A bases (chr17:31,169,899-31,169,900); deleting either gives the same sequence. VCF-style (leftmost placement, unchanged base first): chr17-31169898-GA-G. GRCh37 (hg19) VCF-style: chr17-29496916-GA-G.
Other names: c.489del, p.Glu163fs (NM_000267.4, NM_001128147.3); short protein forms E163fs.
Identifiers: ClinVar variation 4710335 (VCV004710335.1).

ClinVar aggregate classification (germline): Pathogenic (1 of 4 stars; one submission).

Conditions:
Neurofibromatosis, type 1 (NF1). Also called: VON RECKLINGHAUSEN DISEASE; Peripheral type neurofibromatosis; NEUROFIBROMATOSIS, TYPE I, SOMATIC; Neurofibromatosis, type I. Identifiers: Orphanet 636, MedGen C0027831, MONDO:0018975, OMIM 162200. Disease mechanism: loss of function.

Submission:

Labcorp Genetics (formerly Invitae), Labcorp
Classification: Pathogenic for Neurofibromatosis, type 1. Last evaluated: 2025-05-11. Review status: criteria provided, single submitter. Criteria: Invitae Variant Classification Sherloc (09022015). Collection method: clinical testing. Allele origin: germline.
Comment: This sequence change creates a premature translational stop signal (p.Glu163Aspfs*2) in the NF1 gene. It is expected to result in an absent or disrupted protein product. Loss-of-function variants in NF1 are known to be pathogenic (PMID: 10712197, 23913538). This variant is not present in population databases (gnomAD no frequency). This premature translational stop signal has been observed in individual(s) with clinical features of neurofibromatosis type I (PMID: 16835897, 25405498). For these reasons, this variant has been classified as Pathogenic.

Literature cited by the submitters: PubMed 10712197; PubMed 23913538; PubMed 16835897; PubMed 25405498.